The following is an entry in ClinVar:

ClinVar aggregate classification (germline): Pathogenic (1 of 4 stars; one submission).

Conditions:
Bardet-Biedl syndrome (BBS). Identifiers: Orphanet 110, MedGen C0752166, MONDO:0015229.

Submission:

Labcorp Genetics (formerly Invitae), Labcorp
Classification: Pathogenic for Bardet-Biedl syndrome. Last evaluated: 2023-02-21. Review status: criteria provided, single submitter. Criteria: Invitae Variant Classification Sherloc (09022015). Collection method: clinical testing. Allele origin: germline.
Comment: This variant has not been reported in the literature in individuals affected with BBS10-related conditions. This sequence change creates a premature translational stop signal (p.Leu540*) in the BBS10 gene. While this is not anticipated to result in nonsense mediated decay, it is expected to disrupt the last 184 amino acid(s) of the BBS10 protein. This variant is not present in population databases (gnomAD no frequency). This variant disrupts a region of the BBS10 protein in which other variant(s) (p.Val707*) have been determined to be pathogenic (PMID: 20472660, 22773737, 25982971, 27486776). This suggests that this is a clinically significant region of the protein, and that variants that disrupt it are likely to be disease-causing. For these reasons, this variant has been classified as Pathogenic.

Literature cited by the submitters: PubMed 20472660; PubMed 22773737; PubMed 25982971; PubMed 27486776.

NM_024685.4(BBS10):c.1619T>G (p.Leu540Ter)

Gene: BBS10 (Bardet-Biedl syndrome 10; minus strand). Cytogenetic location: 12q21.2.
Variant type: single nucleotide variant.
Coding change: c.1619T>G on transcript NM_024685.4 (MANE Select); coding-DNA position 1619, T replaced by G.
Protein change: p.Leu540Ter; replaces leucine 540 with a stop codon.
Molecular consequence: nonsense.
Genome position (GRCh38, 1-based): chr12:76,346,366, A>C on the plus strand (T>G on the coding strand, the complement: BBS10 is on the minus strand). VCF-style: chr12-76346366-A-C. GRCh37 (hg19) VCF-style: chr12-76740146-A-C.
Other names: short protein forms L540*.
Identifiers: ClinVar variation 2839480 (VCV002839480.3), dbSNP rs2540955443, ClinGen allele CA385810778.
Genomic context (GRCh38, chr12:76,346,366, plus strand): 5'-TCGTAAGAAATTTCTATTCTATTTCCCCTTGTTGAATAAGCAGTGGAATTGTTCTTGAGT[A>C]ATGGTTCATAATAATCAGTTAGCCTGTTTCTTTCCAAAGACAAACATGTCAGCGTTTCAA-3'